The following is an entry in ClinVar:

NM_005188.4(CBL):c.1911C>T (p.Leu637=)

Gene: CBL (Cbl proto-oncogene; plus strand). Cytogenetic location: 11q23.3.
Variant type: single nucleotide variant.
Coding change: c.1911C>T on transcript NM_005188.4 (MANE Select); coding-DNA position 1911, C replaced by T.
Protein change: p.Leu637=; no amino-acid change (leucine 637 retained).
Molecular consequence: synonymous variant.
Genome position (GRCh38, 1-based): chr11:119,285,536, C>T. VCF-style: chr11-119285536-C-T. GRCh37 (hg19) VCF-style: chr11-119156246-C-T.
Identifiers: ClinVar variation 1149389 (VCV001149389.36), dbSNP rs552760421, ClinGen allele CA6318621.

ClinVar aggregate classification (germline): Likely benign. Review status: criteria provided, multiple submitters, no conflicts (2 of 4 stars). 5 submissions from 5 submitters: Likely benign (5). Last evaluated 2026-01-01.

Conditions:
Cardiovascular phenotype. Identifiers: MedGen CN230736.
RASopathy. Also called: Noonan spectrum disorder; rasopathies. Identifiers: Orphanet 536391, MedGen C5555857, MONDO:0021060.

Allele frequency attached by ClinVar (database versions not stated): gnomAD exomes 0.00002; ExAC 0.00003; gnomAD 0.00004 and 0.00005; TOPMed 0.00005.
gnomAD v4.1: 40 of 1,614,056 alleles (0.0025%); highest among the groups gnomAD compares: African/African-American, 0.013%; no homozygotes.

Submissions (5):

Labcorp Genetics (formerly Invitae), Labcorp
Classification: Likely benign for RASopathy. Last evaluated: 2026-01-01. Review status: criteria provided, single submitter. Criteria: Invitae Variant Classification Sherloc (09022015). Collection method: clinical testing. Allele origin: germline.

ARUP Laboratories, Molecular Genetics and Genomics, ARUP Laboratories
Classification: Likely benign. Last evaluated: 2025-06-24. Review status: criteria provided, single submitter. Criteria: ARUP Molecular Germline Variant Investigation Process 2024. Collection method: clinical testing. Allele origin: germline.

Blueprint Genetics
Classification: Likely benign. Last evaluated: 2023-06-12. Review status: criteria provided, single submitter. Criteria: ACMG Guidelines, 2015. Collection method: clinical testing. Allele origin: germline.

CeGaT Center for Human Genetics Tuebingen
Classification: Likely benign. Last evaluated: 2022-11-01. Review status: criteria provided, single submitter. Criteria: CeGaT Center For Human Genetics Tuebingen Variant Classification Criteria Version 2. Collection method: clinical testing. Allele origin: germline. Affected: yes. Observed: 1 variant allele.
Comment: CBL: BP4, BP7

Ambry Genetics
Classification: Likely benign for Cardiovascular phenotype. Last evaluated: 2020-08-31. Review status: criteria provided, single submitter. Criteria: Ambry Variant Classification Scheme 2023. Collection method: clinical testing. Allele origin: germline.